The following is an entry in ClinVar:

ClinVar aggregate classification (germline): Likely benign. Review status: criteria provided, single submitter (1 of 4 stars). 3 submissions from 3 submitters: Likely benign (1). 2 of the submissions do not count toward it. Last evaluated 2024-10-09.

Conditions:
PMS1-related disorder. Also called: PMS1-related condition.

Allele frequency attached by ClinVar (database versions not stated): gnomAD exomes 0.00029; 1000 Genomes Project 30x 0.00031; 1000 Genomes Project 0.00040; ExAC 0.00048; gnomAD 0.00055 and 0.00056; TOPMed 0.00068.
gnomAD v4.1: 425 of 1,582,372 alleles (0.027%); highest among the groups gnomAD compares: Middle Eastern, 0.29%; 2 homozygotes.

Submissions (3):

Blueprint Genetics
Classification: Likely benign. Last evaluated: 2024-10-09. Review status: criteria provided, single submitter. Criteria: ACMG Guidelines, 2015. Collection method: clinical testing. Allele origin: germline.

PreventionGenetics, part of Exact Sciences
Classification: Likely benign for PMS1-related condition. Last evaluated: 2022-11-02. Review status: no assertion criteria provided. Collection method: clinical testing. Allele origin: germline. Not counted in ClinVar's aggregate classification.
Comment: This variant is classified as likely benign based on ACMG/AMP sequence variant interpretation guidelines (Richards et al. 2015 PMID: 25741868, with internal and published modifications).

ITMI
No classification provided. Condition: AllHighlyPenetrant. Last evaluated: 2013-09-19. Review status: no classification provided. Collection method: reference population. Allele origin: germline. Not counted in ClinVar's aggregate classification.
Comment: Please see associated publication for description of ethnicities

Literature cited by the submitters: PubMed 24728327 (cited by ITMI).

NM_000534.5(PMS1):c.418+78G>A

Gene: PMS1 (PMS1 homolog 1, mismatch repair system component; plus strand). Cytogenetic location: 2q32.2.
Variant type: single nucleotide variant.
Coding change: c.418+78G>A on transcript NM_000534.5 (MANE Select); 78 bases into the intron after coding-DNA position 418, G replaced by A.
Molecular consequence: intron variant. On other transcripts: missense variant (1).
Genome position (GRCh38, 1-based): chr2:189,805,832, G>A. VCF-style: chr2-189805832-G-A. GRCh37 (hg19) VCF-style: chr2-190670558-G-A.
Other names: c.496G>A, p.Gly166Ser (NM_001321049.2); c.418+78G>A (NM_001321047.2, NM_001321045.2, NM_001128144.2 and 4 more transcripts); c.-111+9881G>A (NM_001289408.2); c.235+78G>A (NM_001321046.2); c.-110-12185G>A (NM_001289409.2); c.496G>A (NM_001321049.1); short protein forms G166S.
Identifiers: ClinVar variation 133375 (VCV000133375.4), dbSNP rs550407834, ClinGen allele CA156466.